The following is an entry in ClinVar:

ClinVar aggregate classification (germline): Uncertain significance. Review status: criteria provided, multiple submitters, no conflicts (2 of 4 stars). 2 submissions from 2 submitters: Uncertain significance (2). Last evaluated 2025-08-15.

Conditions:
Hereditary cancer-predisposing syndrome. Also called: Tumor predisposition; Hereditary neoplastic syndrome; Hereditary Cancer Syndrome; Neoplastic Syndromes, Hereditary. Identifiers: Orphanet 140162, MedGen C0027672, MeSH D009386, MONDO:0015356.
Baller-Gerold syndrome (BGS). Also called: CRANIOSYNOSTOSIS WITH RADIAL DEFECTS. Identifiers: Orphanet 1225, MedGen C0265308, MONDO:0009039, OMIM 218600.

Allele frequency attached by ClinVar (database versions not stated): gnomAD exomes below 0.00001 and 0.00001; ExAC 0.00001.
gnomAD v4.1: 4 of 1,611,622 alleles (0.00025%); highest among the groups gnomAD compares: Admixed American, 0.0017%; no homozygotes.

Submissions (2):

Labcorp Genetics (formerly Invitae), Labcorp
Classification: Uncertain significance for Baller-Gerold syndrome. Last evaluated: 2025-08-15. Review status: criteria provided, single submitter. Criteria: Invitae Variant Classification Sherloc (09022015). Collection method: clinical testing. Allele origin: germline.
Comment: This sequence change replaces lysine, which is basic and polar, with asparagine, which is neutral and polar, at codon 88 of the RECQL4 protein (p.Lys88Asn). This variant is present in population databases (rs750999910, gnomAD 0.003%). This variant has not been reported in the literature in individuals affected with RECQL4-related conditions. ClinVar contains an entry for this variant (Variation ID: 1450486). Invitae Evidence Modeling of protein sequence and biophysical properties (such as structural, functional, and spatial information, amino acid conservation, physicochemical variation, residue mobility, and thermodynamic stability) indicates that this missense variant is not expected to disrupt RECQL4 protein function with a negative predictive value of 80%. In summary, the available evidence is currently insufficient to determine the role of this variant in disease. Therefore, it has been classified as a Variant of Uncertain Significance.

Sema4
Classification: Uncertain significance for Hereditary cancer-predisposing syndrome. Last evaluated: 2022-02-04. Review status: criteria provided, single submitter. Criteria: Sema4 Curation Guidelines. Collection method: curation. Allele origin: germline.
Comment: The RECQL4 c.264G>C (p.K88N) variant has been reported in heterozygosity in at least one individual with bladder cancer (PMID: 32729250). It was observed in 1/34194 chromosomes of the Latino subpopulation in the large and broad cohorts of the Genome Aggregation Database (PMID: 32461654). The variant has not been reported in ClinVar. Functional studies have not been performed, and in silico predictions of the variant's effect on protein function are inconclusive. The evidence is insufficient to meet ACMG/AMP criteria for classifying the variant as benign or pathogenic. Thus, the clinical significance of this variant is currently uncertain.

Literature cited by the submitters: PubMed 32729250 (cited by Sema4).

NM_004260.4(RECQL4):c.264G>C (p.Lys88Asn)

Gene: RECQL4 (RecQ like helicase 4; minus strand). Cytogenetic location: 8q24.3.
Variant type: single nucleotide variant.
Coding change: c.264G>C on transcript NM_004260.4 (MANE Select); coding-DNA position 264, G replaced by C.
Protein change: p.Lys88Asn; replaces lysine 88 with asparagine.
Molecular consequence: missense variant.
Genome position (GRCh38, 1-based): chr8:144,517,140, C>G on the plus strand (G>C on the coding strand, the complement: RECQL4 is on the minus strand). VCF-style: chr8-144517140-C-G. GRCh37 (hg19) VCF-style: chr8-145742524-C-G.
Other names: short protein forms K88N.
Identifiers: ClinVar variation 1450486 (VCV001450486.7), dbSNP rs750999910, ClinGen allele CA4949405.